The following is an entry in ClinVar:

ClinVar aggregate classification (germline): Likely benign (1 of 4 stars; one submission).

Allele frequency attached by ClinVar (database versions not stated): TOPMed 0.00001; gnomAD 0.00006 and 0.00001; gnomAD exomes 0.00003; ExAC 0.00001.
gnomAD v4.1: 46 of 1,613,294 alleles (0.0029%); highest among the groups gnomAD compares: Non-Finnish European, 0.0034%; no homozygotes.

Submission:

Laboratory for Molecular Medicine, Mass General Brigham Personalized Medicine
Classification: Likely benign. Last evaluated: 2015-11-24. Review status: criteria provided, single submitter. Criteria: LMM Criteria. Collection method: clinical testing. Allele origin: germline. Observed: 1 variant allele.
Comment: p.Gly590Gly in exon 13 of KCNQ4: This variant is not expected to have clinical s ignificance because it does not alter an amino acid residue and is not located w ithin the splice consensus sequence. It has been identified in1/61580 of Europea n chromosomes by the Exome Aggregation Consortium (ExAC;dbSNP rs762279980).

NM_004700.4(KCNQ4):c.1770G>A (p.Gly590=)

Gene: KCNQ4 (potassium voltage-gated channel subfamily Q member 4; plus strand). Cytogenetic location: 1p34.2.
Variant type: single nucleotide variant.
Coding change: c.1770G>A on transcript NM_004700.4 (MANE Select); coding-DNA position 1770, G replaced by A.
Protein change: p.Gly590=; no amino-acid change (glycine 590 retained).
Molecular consequence: synonymous variant.
Genome position (GRCh38, 1-based): chr1:40,837,689, G>A. VCF-style: chr1-40837689-G-A. GRCh37 (hg19) VCF-style: chr1-41303361-G-A.
Other names: c.1608G>A, p.Gly536= (NM_172163.3).
Identifiers: ClinVar variation 227467 (VCV000227467.4), dbSNP rs762279980, ClinGen allele CA795001.